The following is an entry in ClinVar:

ClinVar aggregate classification (germline): Uncertain significance. Review status: criteria provided, multiple submitters, no conflicts (2 of 4 stars). 2 submissions from 2 submitters: Uncertain significance (2). Last evaluated 2025-08-20.

Conditions:
Inborn genetic diseases. Identifiers: MedGen C0950123, MeSH D030342.
Beta-D-mannosidosis (MANSB). Also called: MANNOSIDOSIS, BETA A, LYSOSOMAL; BETA-MANNOSIDASE DEFICIENCY; LYSOSOMAL BETA-MANNOSIDASE DEFICIENCY; Beta-Mannosidosis. Identifiers: Orphanet 118, MedGen C4048196, MONDO:0009562, OMIM 248510.

Allele frequency attached by ClinVar (database versions not stated): gnomAD exomes below 0.00001.
gnomAD v4.1: 1 of 1,610,900 alleles (0.000062%); highest among the groups gnomAD compares: Admixed American, 0.0017%; no homozygotes.

Submissions (2):

Ambry Genetics
Classification: Uncertain significance for Inborn genetic diseases. Last evaluated: 2025-08-20. Review status: criteria provided, single submitter. Criteria: Ambry Variant Classification Scheme 2023. Collection method: clinical testing. Allele origin: germline.

Labcorp Genetics (formerly Invitae), Labcorp
Classification: Uncertain significance for Beta-D-mannosidosis. Last evaluated: 2022-02-15. Review status: criteria provided, single submitter. Criteria: Invitae Variant Classification Sherloc (09022015). Collection method: clinical testing. Allele origin: germline.
Comment: This sequence change replaces valine, which is neutral and non-polar, with alanine, which is neutral and non-polar, at codon 103 of the MANBA protein (p.Val103Ala). This variant is present in population databases (no rsID available, gnomAD 0.003%). This variant has not been reported in the literature in individuals affected with MANBA-related conditions. Algorithms developed to predict the effect of missense changes on protein structure and function (SIFT, PolyPhen-2, Align-GVGD) all suggest that this variant is likely to be disruptive. In summary, the available evidence is currently insufficient to determine the role of this variant in disease. Therefore, it has been classified as a Variant of Uncertain Significance.

NM_005908.4(MANBA):c.308T>C (p.Val103Ala)

Gene: MANBA (mannosidase beta; minus strand). Cytogenetic location: 4q24.
Variant type: single nucleotide variant.
Coding change: c.308T>C on transcript NM_005908.4 (MANE Select); coding-DNA position 308, T replaced by C.
Protein change: p.Val103Ala; replaces valine 103 with alanine.
Molecular consequence: missense variant.
Genome position (GRCh38, 1-based): chr4:102,723,932, A>G on the plus strand (T>C on the coding strand, the complement: MANBA is on the minus strand). VCF-style: chr4-102723932-A-G. GRCh37 (hg19) VCF-style: chr4-103645089-A-G.
Other names: c.308T>C (NM_005908.3); short protein forms V103A.
Identifiers: ClinVar variation 2415824 (VCV002415824.4), dbSNP rs1288636364, ClinGen allele CA357958360.